The following is an entry in ClinVar:

ClinVar aggregate classification (germline): Pathogenic/Likely pathogenic. Review status: criteria provided, multiple submitters, no conflicts (2 of 4 stars). 4 submissions from 4 submitters: Pathogenic (2); Likely pathogenic (2). Last evaluated 2026-01-21.

Conditions:
G6PD-related disorder. Also called: G6PD-related condition.
Anemia, nonspherocytic hemolytic, due to G6PD deficiency (CNSHA1). Also called: Class I glucose-6-phosphate dehydrogenase deficiency; ANEMIA, CONGENITAL, NONSPHEROCYTIC HEMOLYTIC, 1; Hemolytic anemia due to G6PD deficiency; Favism, susceptibility to. Identifiers: Orphanet 466026, MedGen C2720289, MONDO:0010480, OMIM 300908.

Allele frequency attached by ClinVar (database versions not stated): ExAC 0.00004; TOPMed 0.00006; gnomAD 0.00008; ESP Exome Variant Server 0.00009; 1000 Genomes Project 30x 0.00021; 1000 Genomes Project 0.00026.
gnomAD v4.1: 56 of 1,209,471 alleles (0.0046%); highest among the groups gnomAD compares: East Asian, 0.11%; no homozygotes.

Submissions (4):

PreventionGenetics, part of Exact Sciences
Classification: Likely pathogenic for G6PD-related condition. Last evaluated: 2026-01-21. Review status: criteria provided, single submitter. Criteria: ACMG Guidelines, 2015. Collection method: clinical testing. Allele origin: germline.
Comment: The G6PD c.241C>T variant is predicted to result in the amino acid substitution p.Arg81Cys. This variant, also described as "G6PD Ube/Konan", has been reported in multiple clinically asymptomatic individuals with mild to moderate glucose-6-phosphate dehydrogenase deficiency (Nakashima et al. 1977. PubMed ID: 835572; Miwa 1980. PubMed ID: 7440223; Minucci et al. 2010. PubMed ID: 20621077). Biochemical studies have shown individuals with this variant retained approximately 32-45% residual enzymatic activity relative to controls (Nakashima et al. 1977. PubMed ID: 835572). This variant also leads to decreased association of G6PD with NADPH, which inhibits G6PD when bound (Nakashima et al. 1977. PubMed ID: 835572). This variant is reported in 5 of 204,780 (0.0024%) total alleles in gnomAD, including one hemizygote. Taken together, this variant is interpreted as likely pathogenic.

Labcorp Genetics (formerly Invitae), Labcorp
Classification: Pathogenic for Anemia, nonspherocytic hemolytic, due to G6PD deficiency. Last evaluated: 2025-11-28. Review status: criteria provided, single submitter. Criteria: Invitae Variant Classification Sherloc (09022015). Collection method: clinical testing. Allele origin: germline.
Comment: This sequence change replaces arginine, which is basic and polar, with cysteine, which is neutral and slightly polar, at codon 81 of the G6PD protein (p.Arg81Cys). This variant is present in population databases (rs138687036, gnomAD 0.007%). This missense change has been observed in clinically asymptomatic individuals with moderate glucose-6-phosphate dehydrogenase deficiency (PMID: 511159, 20621077). This variant is also known as Ube or Konan variant. ClinVar contains an entry for this variant (Variation ID: 1722652). Invitae Evidence Modeling of protein sequence and biophysical properties (such as structural, functional, and spatial information, amino acid conservation, physicochemical variation, residue mobility, and thermodynamic stability) indicates that this missense variant is expected to disrupt G6PD protein function with a positive predictive value of 95%. Experimental studies have shown that this missense change affects G6PD function (PMID: 7440223). For these reasons, this variant has been classified as Pathogenic.

CeGaT Center for Human Genetics Tuebingen
Classification: Likely pathogenic. Last evaluated: 2025-01-01. Review status: criteria provided, single submitter. Criteria: CeGaT Center For Human Genetics Tuebingen Variant Classification Criteria Version 2. Collection method: clinical testing. Allele origin: germline. Affected: yes. Observed: 1 variant allele.
Comment: G6PD: PM5, PS4:Moderate, PM2:Supporting, PS3:Supporting

Dunham Lab, University of Washington
Classification: Pathogenic for Anemia, nonspherocytic hemolytic, due to G6PD deficiency. Last evaluated: 2022-08-12. Review status: criteria provided, single submitter. Criteria: Bayesian ACMG Guidelines, 2018. Collection method: curation. Allele origin: inherited. Affected: yes.
Comment: Variant found in unrelated hemizygotes with deficiency (PS4_M, PP4), and segregates with deficiency in multiple families (PP1). Decreased activity in red blood cells (36-58%) (PS3). Below expected carrier frequency in gnomAD (PM2). Post_P 0.997 (odds of pathogenicity 3155, Prior_P 0.1).

Literature cited by the submitters: PubMed 511159 (cited by Labcorp Genetics (formerly Invitae), Labcorp and Dunham Lab, University of Washington); PubMed 20621077 (cited by Labcorp Genetics (formerly Invitae), Labcorp and Dunham Lab, University of Washington); PubMed 7440223 (cited by Labcorp Genetics (formerly Invitae), Labcorp and Dunham Lab, University of Washington); PubMed 835572 (cited by Dunham Lab, University of Washington); PubMed 3591235 (cited by Dunham Lab, University of Washington).

NM_001360016.2(G6PD):c.241C>T (p.Arg81Cys)

Gene: G6PD (glucose-6-phosphate dehydrogenase; minus strand). Cytogenetic location: Xq28.
Variant type: single nucleotide variant.
Coding change: c.241C>T on transcript NM_001360016.2 (MANE Select); coding-DNA position 241, C replaced by T.
Protein change: p.Arg81Cys; replaces arginine 81 with cysteine.
Molecular consequence: missense variant.
Genome position (GRCh38, 1-based): chrX:154,535,963, G>A on the plus strand (C>T on the coding strand, the complement: G6PD is on the minus strand). VCF-style: chrX-154535963-G-A. GRCh37 (hg19) VCF-style: chrX-153764178-G-A.
Other names: G6PD Konan; G6PD Ube; c.331C>T, p.Arg111Cys (NM_000402.4); c.241C>T, p.Arg81Cys (NM_001042351.3); short protein forms R111C, R81C.
Identifiers: ClinVar variation 1722652 (VCV001722652.19), dbSNP rs138687036, ClinGen allele CA10566297.
Genomic context (GRCh38, chrX:154,535,963, plus strand): 5'-GAACCAGGCTGGGGGAGGCCCTGACACCACCCACCTTGAAGAAGGGCTCACTCTGTTTGC[G>A]GATGTCAGCCACTGTGAGGCGGGAACGGGCATAGCCCACGATGAAGGTGTTTTCGGGCAG-3'
Protein context (NP_001346945.1, residues 71-91): ARSRLTVADI[Arg81Cys]KQSEPFFKAT